The following is an entry in ClinVar:

NM_015102.5(NPHP4):c.2993C>G (p.Pro998Arg)

Gene: NPHP4 (nephrocystin 4; minus strand). Cytogenetic location: 1p36.31.
Variant type: single nucleotide variant.
Coding change: c.2993C>G on transcript NM_015102.5 (MANE Select); coding-DNA position 2993, C replaced by G.
Protein change: p.Pro998Arg; replaces proline 998 with arginine.
Molecular consequence: missense variant. On other transcripts: non-coding transcript variant (1).
Genome position (GRCh38, 1-based): chr1:5,874,925, G>C on the plus strand (C>G on the coding strand, the complement: NPHP4 is on the minus strand). VCF-style: chr1-5874925-G-C. GRCh37 (hg19) VCF-style: chr1-5934985-G-C.
Other names: c.1454C>G, p.Pro485Arg (NM_001291593.2); c.1457C>G, p.Pro486Arg (NM_001291594.2); short protein forms P485R, P486R, P998R.
Identifiers: ClinVar variation 1948551 (VCV001948551.5), dbSNP rs2523142856, ClinGen allele CA338056133.

ClinVar aggregate classification (germline): Uncertain significance (1 of 4 stars; one submission).

Conditions:
Nephronophthisis. Also called: Juvenile Nephronophthisis. Identifiers: Orphanet 655, MedGen C0687120, MONDO:0019005, HP:0000090.

Allele frequency attached by ClinVar (database versions not stated): gnomAD exomes 0.00001.
gnomAD v4.1: 8 of 1,613,792 alleles (0.0005%); highest among the groups gnomAD compares: Non-Finnish European, 0.00068%; no homozygotes.

Submission:

Labcorp Genetics (formerly Invitae), Labcorp
Classification: Uncertain significance for Nephronophthisis. Last evaluated: 2022-05-20. Review status: criteria provided, single submitter. Criteria: Invitae Variant Classification Sherloc (09022015). Collection method: clinical testing. Allele origin: germline.
Comment: This sequence change replaces proline, which is neutral and non-polar, with arginine, which is basic and polar, at codon 998 of the NPHP4 protein (p.Pro998Arg). This variant is not present in population databases (gnomAD no frequency). This variant has not been reported in the literature in individuals affected with NPHP4-related conditions. Algorithms developed to predict the effect of missense changes on protein structure and function are either unavailable or do not agree on the potential impact of this missense change (SIFT: "Tolerated"; PolyPhen-2: "Probably Damaging"; Align-GVGD: "Class C0"). In summary, the available evidence is currently insufficient to determine the role of this variant in disease. Therefore, it has been classified as a Variant of Uncertain Significance.